The following is an entry in ClinVar:

NM_018124.4(RFWD3):c.1388T>A (p.Val463Glu)

Gene: RFWD3 (ring finger and WD repeat domain 3; minus strand). Cytogenetic location: 16q23.1.
Variant type: single nucleotide variant.
Coding change: c.1388T>A on transcript NM_018124.4 (MANE Select); coding-DNA position 1388, T replaced by A.
Protein change: p.Val463Glu; replaces valine 463 with glutamic acid.
Molecular consequence: missense variant.
Genome position (GRCh38, 1-based): chr16:74,636,384, A>T on the plus strand (T>A on the coding strand, the complement: RFWD3 is on the minus strand). VCF-style: chr16-74636384-A-T. GRCh37 (hg19) VCF-style: chr16-74670282-A-T.
Other names: c.1388T>A, p.Val463Glu (NM_001370534.1, NM_001370535.1, NM_001370536.1); c.554T>A, p.Val185Glu (NM_001370537.1, NM_001370539.1, NM_001370540.1 and 2 more transcripts); short protein forms V463E, V185E.
Identifiers: ClinVar variation 3677138 (VCV003677138.2).

ClinVar aggregate classification (germline): Uncertain significance (1 of 4 stars; one submission).

Submission:

Labcorp Genetics (formerly Invitae), Labcorp
Classification: Uncertain significance. Last evaluated: 2024-12-18. Review status: criteria provided, single submitter. Criteria: Invitae Variant Classification Sherloc (09022015). Collection method: clinical testing. Allele origin: germline.
Comment: This sequence change replaces valine, which is neutral and non-polar, with glutamic acid, which is acidic and polar, at codon 463 of the RFWD3 protein (p.Val463Glu). This variant is not present in population databases (gnomAD no frequency). This variant has not been reported in the literature in individuals affected with RFWD3-related conditions. An algorithm developed to predict the effect of missense changes on protein structure and function (PolyPhen-2) suggests that this variant is likely to be disruptive. In summary, the available evidence is currently insufficient to determine the role of this variant in disease. Therefore, it has been classified as a Variant of Uncertain Significance.